The following is an entry in ClinVar:

NM_153700.2(STRC):c.4693A>T (p.Thr1565Ser)

Gene: STRC (stereocilin; minus strand). Cytogenetic location: 15q15.3.
Variant type: single nucleotide variant.
Coding change: c.4693A>T on transcript NM_153700.2 (MANE Select); coding-DNA position 4693, A replaced by T.
Protein change: p.Thr1565Ser; replaces threonine 1565 with serine.
Molecular consequence: missense variant.
Genome position (GRCh38, 1-based): chr15:43,601,404, T>A on the plus strand (A>T on the coding strand, the complement: STRC is on the minus strand). VCF-style: chr15-43601404-T-A. GRCh37 (hg19) VCF-style: chr15-43893602-T-A.
Other names: short protein forms T1565S.
Identifiers: ClinVar variation 1012670 (VCV001012670.40), dbSNP rs141809944, ClinGen allele CA7527945.

ClinVar aggregate classification (germline): Likely benign. Review status: criteria provided, multiple submitters, no conflicts (2 of 4 stars). 3 submissions from 3 submitters: Likely benign (3). Last evaluated 2024-11-21.

Allele frequency attached by ClinVar (database versions not stated): TOPMed 0.00029; ExAC 0.00050; 1000 Genomes Project 30x 0.00062; 1000 Genomes Project 0.00140.
gnomAD v4.1: 507 of 1,611,122 alleles (0.031%); highest among the groups gnomAD compares: Middle Eastern, 0.14%; 3 homozygotes.

Submissions (3):

Blueprint Genetics
Classification: Likely benign. Last evaluated: 2024-11-21. Review status: criteria provided, single submitter. Criteria: ACMG Guidelines, 2015. Collection method: clinical testing. Allele origin: germline.

CeGaT Center for Human Genetics Tuebingen
Classification: Likely benign. Last evaluated: 2023-03-01. Review status: criteria provided, single submitter. Criteria: CeGaT Center For Human Genetics Tuebingen Variant Classification Criteria Version 2. Collection method: clinical testing. Allele origin: germline. Affected: yes. Observed: 2 variant alleles.
Comment: STRC: BS2

Laboratory for Molecular Medicine, Mass General Brigham Personalized Medicine
Classification: Likely benign. Last evaluated: 2022-12-01. Review status: criteria provided, single submitter. Criteria: ACMG Guidelines, 2015. Collection method: clinical testing. Allele origin: germline.
Comment: The p.Thr1565Ser variant in STRC is classified as likely benign due to a lack of conservation across species. Over 20 mammals carry a serine at this position despite high nearby amino acid conservation. In addition, computational prediction tools predict that this variant does not impact the protein. It has also been identified in 0.107% (38/35420) of Latino/Admixed American chromosomes by gnomAD. ACMG/AMP Criteria applied: BS1_Supporting, BP4.